The following is an entry in ClinVar:

ClinVar aggregate classification (germline): Uncertain significance (1 of 4 stars; one submission).

Conditions:
Inborn genetic diseases. Identifiers: MedGen C0950123, MeSH D030342.

Submission:

Ambry Genetics
Classification: Uncertain significance for Inborn genetic diseases. Last evaluated: 2025-04-12. Review status: criteria provided, single submitter. Criteria: Ambry Variant Classification Scheme 2023. Collection method: clinical testing. Allele origin: germline.
Comment: The p.P194L variant (also known as c.581C>T), located in coding exon 5 of the FANCG gene, results from a C to T substitution at nucleotide position 581. The proline at codon 194 is replaced by leucine, an amino acid with similar properties. This amino acid position is conserved. In addition, the in silico prediction for this alteration is inconclusive. Based on the available evidence, the clinical significance of this variant remains unclear.

NM_004629.2(FANCG):c.581C>T (p.Pro194Leu)

Gene: FANCG (FA complementation group G; minus strand). Cytogenetic location: 9p13.3.
Variant type: single nucleotide variant.
Coding change: c.581C>T on transcript NM_004629.2 (MANE Select); coding-DNA position 581, C replaced by T.
Protein change: p.Pro194Leu; replaces proline 194 with leucine.
Molecular consequence: missense variant.
Genome position (GRCh38, 1-based): chr9:35,077,329, G>A on the plus strand (C>T on the coding strand, the complement: FANCG is on the minus strand). VCF-style: chr9-35077329-G-A. GRCh37 (hg19) VCF-style: chr9-35077326-G-A.
Other names: short protein forms P194L.
Identifiers: ClinVar variation 4022488 (VCV004022488.1).